The following is an entry in ClinVar:

ClinVar aggregate classification (germline): Uncertain significance. Review status: criteria provided, single submitter (1 of 4 stars). 2 submissions from 2 submitters: Uncertain significance (1). 1 of the submissions does not count toward it. Last evaluated 2026-03-23.

Conditions:
Lazy leukocyte syndrome. Identifiers: Orphanet 652522, MedGen C0272174, MONDO:0007883, OMIM 150550.

Allele frequency attached by ClinVar (database versions not stated): gnomAD exomes 0.00001; TOPMed below 0.00001; ExAC 0.00002.
gnomAD v4.1: 8 of 1,596,162 alleles (0.0005%); highest among the groups gnomAD compares: Non-Finnish European, 0.00068%; no homozygotes.

Submissions (2):

GeneDx
Classification: Uncertain significance. Last evaluated: 2026-03-23. Review status: criteria provided, single submitter. Criteria: GeneDx Variant Classification Process June 2021. Collection method: clinical testing. Allele origin: germline.
Comment: In silico analysis supports that this missense variant has a deleterious effect on protein structure/function; This variant is associated with the following publications: (PMID: 27557945)

OMIM
Classification: Pathogenic for PERIODIC FEVER, IMMUNODEFICIENCY, AND THROMBOCYTOPENIA SYNDROME. Last evaluated: 2020-07-29. Review status: no assertion criteria provided. Collection method: literature only. Allele origin: germline. Not counted in ClinVar's aggregate classification.

Literature cited by the submitters: PubMed 27557945 (cited by OMIM).

NM_017491.5(WDR1):c.856C>G (p.Leu286Val)

Gene: WDR1 (WD repeat domain 1; minus strand). Cytogenetic location: 4p16.1.
Variant type: single nucleotide variant.
Coding change: c.856C>G on transcript NM_017491.5 (MANE Select); coding-DNA position 856, C replaced by G.
Protein change: p.Leu286Val; replaces leucine 286 with valine.
Molecular consequence: missense variant.
Genome position (GRCh38, 1-based): chr4:10,087,802, G>C on the plus strand (C>G on the coding strand, the complement: WDR1 is on the minus strand). VCF-style: chr4-10087802-G-C. GRCh37 (hg19) VCF-style: chr4-10089426-G-C.
Other names: c.436C>G, p.Leu146Val (NM_005112.5); c.856C>G (NM_017491.3); short protein forms L286V, L146V.
Identifiers: ClinVar variation 974603 (VCV000974603.2), dbSNP rs771058795, ClinGen allele CA2857875.
Genomic context (GRCh38, chr4:10,087,802, plus strand): 5'-TGTCCAGATAGTTGATGTACCCGGACAGGGAGACACTGAGCAGGTGGTCCTTCTGCCATA[G>C]GCAGCCCAGCTGCTGGTCCAGAACCGTGGAGCCCATGGGAAATGTGCTGACCACGGAGTT-3'
Protein context (NP_059830.1, residues 276-296): STVLDQQLGC[Leu286Val]WQKDHLLSVS